The following is an entry in ClinVar:

ClinVar aggregate classification (germline): Uncertain significance. Review status: criteria provided, multiple submitters, no conflicts (2 of 4 stars). 3 submissions from 3 submitters: Uncertain significance (3). Last evaluated 2025-11-03.

Conditions:
Familial cancer of breast. Also called: Hereditary breast cancer; BREAST CANCER, FAMILIAL; hereditary breast carcinoma. Identifiers: Orphanet 227535, MedGen C0346153, MONDO:0016419, OMIM 114480. Disease mechanism: loss of function.
Hereditary cancer-predisposing syndrome. Also called: Hereditary neoplastic syndrome; Tumor predisposition; Neoplastic Syndromes, Hereditary; Hereditary Cancer Syndrome. Identifiers: Orphanet 140162, MedGen C0027672, MeSH D009386, MONDO:0015356.

Submissions (3):

Labcorp Genetics (formerly Invitae), Labcorp
Classification: Uncertain significance for Familial cancer of breast. Last evaluated: 2025-11-03. Review status: criteria provided, single submitter. Criteria: Invitae Variant Classification Sherloc (09022015). Collection method: clinical testing. Allele origin: germline.
Comment: This variant, c.486_488del, results in the deletion of 1 amino acid(s) of the CHEK2 protein (p.His163del), but otherwise preserves the integrity of the reading frame. This variant is not present in population databases (gnomAD no frequency). This variant has not been reported in the literature in individuals affected with CHEK2-related conditions. ClinVar contains an entry for this variant (Variation ID: 421182). Experimental studies and prediction algorithms are not available or were not evaluated, and the functional significance of this variant is currently unknown. In summary, the available evidence is currently insufficient to determine the role of this variant in disease. Therefore, it has been classified as a Variant of Uncertain Significance.

Ambry Genetics
Classification: Uncertain significance for Hereditary cancer-predisposing syndrome. Last evaluated: 2025-06-13. Review status: criteria provided, single submitter. Criteria: Ambry Variant Classification Scheme 2023. Collection method: clinical testing. Allele origin: germline.
Comment: The c.486_488delTCA variant (also known as p.H163del) is located in coding exon 3 of the CHEK2 gene. This variant results from an in-frame TCA deletion at nucleotide positions 486 to 488. This results in the in-frame deletion of a histidine at codon 163. This amino acid position is highly conserved in available vertebrate species. In addition, this alteration is predicted to be deleterious by in silico analysis (Choi Y et al. PLoS ONE. 2012; 7(10):e46688). Based on the available evidence, the clinical significance of this variant remains unclear.

GeneDx
Classification: Uncertain significance. Last evaluated: 2016-05-13. Review status: criteria provided, single submitter. Criteria: GeneDx Variant Classification (06012015). Collection method: clinical testing. Allele origin: germline. Affected: yes.
Comment: This in-frame deletion of 3 nucleotides in CHEK2 is denoted c.486_488delTCA at the cDNA level and p.His163del (H163del) at the protein level. The normal sequence, with the bases that are deleted in braces, is AAGA[TCA]CAGT. This deletion of a single Histidine residue occurs at a position that is conserved in mammals and is located in the FHA domain (Desrichard 2011, Roeb 2012, UniProt). This variant has not, to our knowledge, been published in the literature as pathogenic or benign. Since in-frame deletions may or may not inhibit proper protein functioning, the clinical significance of this finding remains unclear at this time and we consider CHEK2 His163del to be a variant of uncertain significance.

NM_007194.4(CHEK2):c.486_488del (p.His163del)

Gene: CHEK2 (checkpoint kinase 2; minus strand). Cytogenetic location: 22q12.1.
Variant type: Deletion.
Coding change: c.486_488del on transcript NM_007194.4 (MANE Select); coding-DNA positions 486 to 488, 3 bases deleted (TCA; older notation c.486_488delTCA).
Protein change: p.His163del; deletes histidine 163.
Molecular consequence: inframe deletion. On other transcripts: 5 prime UTR variant (2), intron variant (1).
Genome position (GRCh38, 1-based): chr22:28,725,081-28,725,083, TGA deleted on the plus strand (TCA on the coding strand, the reverse complement: CHEK2 is on the minus strand); deleting any 3 consecutive bases within chr22:28,725,081-28,725,084 gives the same sequence; the c. name uses the placement nearest the transcript's 3' end. VCF-style (leftmost placement, unchanged base first): chr22-28725080-GTGA-G. GRCh37 (hg19) VCF-style: chr22-29121068-GTGA-G.
Other names: c.615_617del, p.His206del (NM_001005735.3, NM_001438294.1); c.-292_-290del (NM_001257387.3); c.-178_-176del (NM_001437942.1); c.579_581del, p.His194del (NM_001438293.1, NM_001438295.1); c.486_488del, p.His163del (NM_145862.3); c.444+160_445-158del (NM_001349956.3); short protein forms H163del, H206del, H194del.
Identifiers: ClinVar variation 421182 (VCV000421182.11), dbSNP rs1064794964, ClinGen allele CA16621076.